The following is an entry in ClinVar:

NM_001267550.2(TTN):c.39463+16A>G

Gene: TTN (titin; minus strand). Cytogenetic location: 2q31.2.
Variant type: single nucleotide variant.
Coding change: c.39463+16A>G on transcript NM_001267550.2 (MANE Select); 16 bases into the intron after coding-DNA position 39463, A replaced by G.
Molecular consequence: intron variant.
Genome position (GRCh38, 1-based): chr2:178,651,650, T>C on the plus strand (A>G on the coding strand, the complement: TTN is on the minus strand). VCF-style: chr2-178651650-T-C. GRCh37 (hg19) VCF-style: chr2-179516377-T-C.
Other names: c.13283-9333A>G (NM_003319.4); c.13859-9333A>G (NM_133437.4); c.13658-9333A>G (NM_133432.3); c.32161+16A>G (NM_133378.4); c.34942+16A>G (NM_001256850.1).
Identifiers: ClinVar variation 511728 (VCV000511728.4), dbSNP rs1553769902, ClinGen allele CA658796087.
Genomic context (GRCh38, chr2:178,651,650, plus strand): 5'-ATCATGAAGCAGAACAGTAGAATATGACACTTCAAAGAAAGTTTTTTGTTAGGGAGTTAG[T>C]GGCAGTGAGGAATACCTTTCACTGGTGGTAGTTCAGGTTTTTTGGCAACGACAGCAGGTG-3'

ClinVar aggregate classification (germline): Likely benign. Review status: criteria provided, multiple submitters, no conflicts (2 of 4 stars). 2 submissions from 2 submitters: Likely benign (2). Last evaluated 2023-06-24.

Conditions:
Autosomal recessive limb-girdle muscular dystrophy type 2J (LGMDR10). Also called: MUSCULAR DYSTROPHY, LIMB-GIRDLE, AUTOSOMAL RECESSIVE 10; Limb-girdle muscular dystrophy, type 2J. Identifiers: Orphanet 140922, MedGen C1837342, MONDO:0012127, OMIM 608807.
Dilated cardiomyopathy 1G (CMD1G). Identifiers: Orphanet 154, MedGen C1858763, MONDO:0011400, OMIM 604145.

Allele frequency attached by ClinVar (database versions not stated): gnomAD exomes below 0.00001.
gnomAD v4.1: 1 of 1,612,952 alleles (0.000062%); highest among the groups gnomAD compares: Non-Finnish European, 0.000085%; no homozygotes.

Submissions (2):

Labcorp Genetics (formerly Invitae), Labcorp
Classification: Likely benign for Dilated cardiomyopathy 1G; Autosomal recessive limb-girdle muscular dystrophy type 2J. Last evaluated: 2023-06-24. Review status: criteria provided, single submitter. Criteria: Invitae Variant Classification Sherloc (09022015). Collection method: clinical testing. Allele origin: germline.

GeneDx
Classification: Likely benign. Last evaluated: 2017-08-22. Review status: criteria provided, single submitter. Criteria: GeneDx Variant Classification (06012015). Collection method: clinical testing. Allele origin: germline. Affected: yes.
Comment: This variant is considered likely benign or benign based on one or more of the following criteria: it is a conservative change, it occurs at a poorly conserved position in the protein, it is predicted to be benign by multiple in silico algorithms, and/or has population frequency not consistent with disease.